The following is an entry in ClinVar:

ClinVar aggregate classification (germline): Uncertain significance (1 of 4 stars; one submission).

Conditions:
Imerslund-Grasbeck syndrome. Also called: PERNICIOUS ANEMIA, JUVENILE, DUE TO SELECTIVE INTESTINAL MALABSORPTION OF VITAMIN B12, WITH PROTEINURIA; Megaloblastic anemia due to inborn errors of metabolism; ENTEROCYTE COBALAMIN MALABSORPTION; ENTEROCYTE INTRINSIC FACTOR RECEPTOR, DEFECT OF; Imerslund-Gräsbeck syndrome. Identifiers: Orphanet 35858, MedGen C4551825, MONDO:0009853.

gnomAD v4.1: 4 of 1,614,072 alleles (0.00025%); highest among the groups gnomAD compares: African/African-American, 0.004%; no homozygotes.

Submission:

Labcorp Genetics (formerly Invitae), Labcorp
Classification: Uncertain significance for Imerslund-Grasbeck syndrome. Last evaluated: 2025-03-18. Review status: criteria provided, single submitter. Criteria: Invitae Variant Classification Sherloc (09022015). Collection method: clinical testing. Allele origin: germline.
Comment: This sequence change replaces aspartic acid, which is acidic and polar, with tyrosine, which is neutral and polar, at codon 1437 of the CUBN protein (p.Asp1437Tyr). This variant is present in population databases (no rsID available, gnomAD 0.007%). This variant has not been reported in the literature in individuals affected with CUBN-related conditions. Invitae Evidence Modeling of protein sequence and biophysical properties (such as structural, functional, and spatial information, amino acid conservation, physicochemical variation, residue mobility, and thermodynamic stability) indicates that this missense variant is not expected to disrupt CUBN protein function with a negative predictive value of 80%. In summary, the available evidence is currently insufficient to determine the role of this variant in disease. Therefore, it has been classified as a Variant of Uncertain Significance.

NM_001081.4(CUBN):c.4309G>T (p.Asp1437Tyr)

Gene: CUBN (cubilin; minus strand). Cytogenetic location: 10p13.
Variant type: single nucleotide variant.
Coding change: c.4309G>T on transcript NM_001081.4 (MANE Select); coding-DNA position 4309, G replaced by T.
Protein change: p.Asp1437Tyr; replaces aspartic acid 1437 with tyrosine.
Molecular consequence: missense variant.
Genome position (GRCh38, 1-based): chr10:16,990,375, C>A on the plus strand (G>T on the coding strand, the complement: CUBN is on the minus strand). VCF-style: chr10-16990375-C-A. GRCh37 (hg19) VCF-style: chr10-17032374-C-A.
Other names: short protein forms D1437Y.
Identifiers: ClinVar variation 4694910 (VCV004694910.1).